The following is an entry in ClinVar:

ClinVar aggregate classification (germline): Conflicting classifications of pathogenicity. Review status: criteria provided, conflicting classifications (1 of 4 stars). 3 submissions from 3 submitters: Uncertain significance (1); Likely benign (2). Last evaluated 2025-04-29.

Conditions:
Dilated cardiomyopathy 1G (CMD1G). Identifiers: Orphanet 154, MedGen C1858763, MONDO:0011400, OMIM 604145.
Autosomal recessive limb-girdle muscular dystrophy type 2J (LGMDR10). Also called: Limb-girdle muscular dystrophy, type 2J; MUSCULAR DYSTROPHY, LIMB-GIRDLE, AUTOSOMAL RECESSIVE 10. Identifiers: Orphanet 140922, MedGen C1837342, MONDO:0012127, OMIM 608807.
Cardiovascular phenotype. Identifiers: MedGen CN230736.

Allele frequency attached by ClinVar (database versions not stated): TOPMed below 0.00001; gnomAD 0.00001.
gnomAD v4.1: 1 of 1,613,776 alleles (0.000062%); highest among the groups gnomAD compares: Non-Finnish European, 0.000085%; no homozygotes.

Submissions (3):

Labcorp Genetics (formerly Invitae), Labcorp
Classification: Likely benign for Dilated cardiomyopathy 1G; Autosomal recessive limb-girdle muscular dystrophy type 2J. Last evaluated: 2025-04-29. Review status: criteria provided, single submitter. Criteria: Invitae Variant Classification Sherloc (09022015). Collection method: clinical testing. Allele origin: germline.

Ambry Genetics
Classification: Likely benign for Cardiovascular phenotype. Last evaluated: 2024-08-28. Review status: criteria provided, single submitter. Criteria: Ambry Variant Classification Scheme 2023. Collection method: clinical testing. Allele origin: germline.

GeneDx
Classification: Uncertain significance. Last evaluated: 2023-02-23. Review status: criteria provided, single submitter. Criteria: GeneDx Variant Classification Process June 2021. Collection method: clinical testing. Allele origin: germline. Affected: yes.
Comment: Not observed at significant frequency in large population cohorts (gnomAD); In silico analysis supports that this variant does not alter splicing; Has not been previously published as pathogenic or benign to our knowledge

NM_001267550.2(TTN):c.12618A>G (p.Leu4206=)

Gene: TTN (titin; minus strand). Cytogenetic location: 2q31.2.
Variant type: single nucleotide variant.
Coding change: c.12618A>G on transcript NM_001267550.2 (MANE Select); coding-DNA position 12618, A replaced by G.
Protein change: p.Leu4206=; no amino-acid change (leucine 4206 retained).
Molecular consequence: synonymous variant. On other transcripts: intron variant (1).
Genome position (GRCh38, 1-based): chr2:178,740,615, T>C on the plus strand (A>G on the coding strand, the complement: TTN is on the minus strand). VCF-style: chr2-178740615-T-C. GRCh37 (hg19) VCF-style: chr2-179605342-T-C.
Other names: c.11667A>G, p.Leu3889= (NM_001256850.1); c.11529A>G, p.Leu3843= (NM_003319.4); c.11904A>G, p.Leu3968= (NM_133432.3); c.12105A>G, p.Leu4035= (NM_133437.4); c.10361-2255A>G (NM_133378.4).
Identifiers: ClinVar variation 2577628 (VCV002577628.4), dbSNP rs2082322839, ClinGen allele CA430296197.
Genomic context (GRCh38, chr2:178,740,615, plus strand): 5'-TAGATAAGAATGCATTGGAGGTTCTATTGAAGACTGTGGATAATTCCCTTCAGGTTCAGC[T>C]AATAAAGTTTTCAGAGGCTCAACTGTTAATGAATTAATTTGTTCTATGGACATGGCACTT-3'
Protein context (NP_001254479.2, residues 4196-4216): SLTVEPLKTL[Leu4206=]AEPEGNYPQS